The following is an entry in ClinVar:

NM_001128178.3(NPHP1):c.205G>C (p.Ala69Pro)

Gene: NPHP1 (nephrocystin 1; minus strand). Cytogenetic location: 2q13.
Variant type: single nucleotide variant.
Coding change: c.205G>C on transcript NM_001128178.3 (MANE Select); coding-DNA position 205, G replaced by C.
Protein change: p.Ala69Pro; replaces alanine 69 with proline.
Molecular consequence: missense variant. On other transcripts: intron variant (1).
Genome position (GRCh38, 1-based): chr2:110,178,547, C>G on the plus strand (G>C on the coding strand, the complement: NPHP1 is on the minus strand). VCF-style: chr2-110178547-C-G. GRCh37 (hg19) VCF-style: chr2-110936124-C-G.
Other names: c.205G>C, p.Ala69Pro (NM_000272.5, NM_001374256.1, NM_001374257.1 and 1 more transcripts); c.144-8549G>C (NM_001128179.3); short protein forms A69P.
Identifiers: ClinVar variation 1446459 (VCV001446459.6), dbSNP rs753950057, ClinGen allele CA348093590.

ClinVar aggregate classification (germline): Uncertain significance (1 of 4 stars; one submission).

Conditions:
Nephronophthisis. Also called: Juvenile Nephronophthisis. Identifiers: Orphanet 655, MedGen C0687120, MONDO:0019005, HP:0000090.

gnomAD v4.1: 2 of 1,610,268 alleles (0.00012%); highest among the groups gnomAD compares: Non-Finnish European, 0.000085%; no homozygotes.

Submission:

Labcorp Genetics (formerly Invitae), Labcorp
Classification: Uncertain significance for Nephronophthisis. Last evaluated: 2022-03-18. Review status: criteria provided, single submitter. Criteria: Invitae Variant Classification Sherloc (09022015). Collection method: clinical testing. Allele origin: germline.
Comment: This sequence change replaces alanine, which is neutral and non-polar, with proline, which is neutral and non-polar, at codon 69 of the NPHP1 protein (p.Ala69Pro). This variant is present in population databases (no rsID available, gnomAD 0.005%). This variant has not been reported in the literature in individuals affected with NPHP1-related conditions. Algorithms developed to predict the effect of missense changes on protein structure and function are either unavailable or do not agree on the potential impact of this missense change (SIFT: "Deleterious"; PolyPhen-2: "Probably Damaging"; Align-GVGD: "Class C0"). Algorithms developed to predict the effect of sequence changes on RNA splicing suggest that this variant may disrupt the consensus splice site. In summary, the available evidence is currently insufficient to determine the role of this variant in disease. Therefore, it has been classified as a Variant of Uncertain Significance.